The following is an entry in ClinVar:

ClinVar aggregate classification (germline): Likely benign (1 of 4 stars; one submission).

Allele frequency attached by ClinVar (database versions not stated): gnomAD 0.00006; ExAC 0.00007; gnomAD exomes 0.00008 and 0.00012; TOPMed 0.00009; ESP Exome Variant Server 0.00038.
gnomAD v4.1: 181 of 1,613,816 alleles (0.011%); highest among the groups gnomAD compares: Middle Eastern, 0.049%; no homozygotes.

Submission:

GeneDx
Classification: Likely benign. Last evaluated: 2016-05-04. Review status: criteria provided, single submitter. Criteria: GeneDx Variant Classification (06012015). Collection method: clinical testing. Allele origin: germline. Affected: yes.
Comment: This variant is considered likely benign or benign based on one or more of the following criteria: it is a conservative change, it occurs at a poorly conserved position in the protein, it is predicted to be benign by multiple in silico algorithms, and/or has population frequency not consistent with disease.

NM_020381.4(PDSS2):c.*1C>T

Gene: PDSS2 (decaprenyl diphosphate synthase subunit 2; minus strand). Cytogenetic location: 6q21.
Variant type: single nucleotide variant.
Coding change: c.*1C>T on transcript NM_020381.4 (MANE Select); 1 bases downstream of the stop codon, C replaced by T.
Molecular consequence: 3 prime UTR variant.
Genome position (GRCh38, 1-based): chr6:107,154,618, G>A on the plus strand (C>T on the coding strand, the complement: PDSS2 is on the minus strand). VCF-style: chr6-107154618-G-A. GRCh37 (hg19) VCF-style: chr6-107475822-G-A.
Identifiers: ClinVar variation 354766 (VCV000354766.1), dbSNP rs145540533, ClinGen allele CA3945886.